The following is an entry in ClinVar:

NM_000038.6(APC):c.6374C>G (p.Ser2125Cys)

Gene: APC (APC regulator of Wnt signaling pathway; plus strand). Cytogenetic location: 5q22.2.
Variant type: single nucleotide variant.
Coding change: c.6374C>G on transcript NM_000038.6 (MANE Select); coding-DNA position 6374, C replaced by G.
Protein change: p.Ser2125Cys; replaces serine 2125 with cysteine.
Molecular consequence: missense variant.
Genome position (GRCh38, 1-based): chr5:112,841,968, C>G. VCF-style: chr5-112841968-C-G. GRCh37 (hg19) VCF-style: chr5-112177665-C-G.
Other names: c.6374C>G, p.Ser2125Cys (NM_001127510.3, NM_001354895.2); c.6320C>G, p.Ser2107Cys (NM_001127511.3); c.6428C>G, p.Ser2143Cys (NM_001354896.2); c.6404C>G, p.Ser2135Cys (NM_001354897.2); c.6299C>G, p.Ser2100Cys (NM_001354898.2); c.6290C>G, p.Ser2097Cys (NM_001354899.2); c.6251C>G, p.Ser2084Cys (NM_001354900.2); c.6197C>G, p.Ser2066Cys (NM_001354901.2); and 5 more; short protein forms S2125C, S2107C, S1842C, S2034C, S2135C, S2024C, S2084C, S2100C.
Identifiers: ClinVar variation 630195 (VCV000630195.18), dbSNP rs759624605, ClinGen allele CA044442.

ClinVar aggregate classification (germline): Uncertain significance. Review status: criteria provided, multiple submitters, no conflicts (2 of 4 stars). 4 submissions from 4 submitters: Uncertain significance (4). Last evaluated 2025-09-09.

Conditions:
Hereditary cancer-predisposing syndrome. Also called: Neoplastic Syndromes, Hereditary; Tumor predisposition; Hereditary neoplastic syndrome; Hereditary Cancer Syndrome. Identifiers: Orphanet 140162, MedGen C0027672, MeSH D009386, MONDO:0015356.
Familial adenomatous polyposis 1 (FAP1). Also called: POLYPOSIS, ADENOMATOUS INTESTINAL; FAMILIAL ADENOMATOUS POLYPOSIS 1, ATTENUATED. Identifiers: MedGen C2713442, MONDO:0021056, OMIM 175100. Disease mechanism: loss of function.

Allele frequency attached by ClinVar (database versions not stated): gnomAD exomes below 0.00001; TOPMed below 0.00001; ExAC 0.00001; gnomAD 0.00001.
gnomAD v4.1: 2 of 1,613,408 alleles (0.00012%); highest among the groups gnomAD compares: Non-Finnish European, 0.00017%; no homozygotes.

Submissions (4):

Labcorp Genetics (formerly Invitae), Labcorp
Classification: Uncertain significance for Familial adenomatous polyposis 1. Last evaluated: 2025-09-09. Review status: criteria provided, single submitter. Criteria: Invitae Variant Classification Sherloc (09022015). Collection method: clinical testing. Allele origin: germline.
Comment: This sequence change replaces serine, which is neutral and polar, with cysteine, which is neutral and slightly polar, at codon 2125 of the APC protein (p.Ser2125Cys). This variant is present in population databases (rs759624605, gnomAD 0.0009%). This variant has not been reported in the literature in individuals affected with APC-related conditions. ClinVar contains an entry for this variant (Variation ID: 630195). Invitae Evidence Modeling of protein sequence and biophysical properties (such as structural, functional, and spatial information, amino acid conservation, physicochemical variation, residue mobility, and thermodynamic stability) indicates that this missense variant is not expected to disrupt APC protein function with a negative predictive value of 95%. In summary, the available evidence is currently insufficient to determine the role of this variant in disease. Therefore, it has been classified as a Variant of Uncertain Significance.

Ambry Genetics
Classification: Uncertain significance for Hereditary cancer-predisposing syndrome. Last evaluated: 2024-01-01. Review status: criteria provided, single submitter. Criteria: Ambry Variant Classification Scheme 2023. Collection method: clinical testing. Allele origin: germline.
Comment: The p.S2125C variant (also known as c.6374C>G), located in coding exon 15 of the APC gene, results from a C to G substitution at nucleotide position 6374. The serine at codon 2125 is replaced by cysteine, an amino acid with dissimilar properties. This amino acid position is conserved. In addition, in silico predictors for this gene do not accurately predict pathogenicity. Since supporting evidence is limited at this time, the clinical significance of this alteration remains unclear.

Color Diagnostics, LLC DBA Color Health
Classification: Uncertain significance for Hereditary cancer-predisposing syndrome. Last evaluated: 2023-12-04. Review status: criteria provided, single submitter. Criteria: ACMG Guidelines, 2015. Collection method: clinical testing. Allele origin: germline.
Comment: This missense variant replaces serine with cysteine at codon 2125 of the APC protein. Computational prediction is inconclusive regarding the impact of this variant on protein structure and function (internally defined REVEL score threshold 0.5 < inconclusive < 0.7, PMID: 27666373). To our knowledge, functional studies have not been reported for this variant. This variant has not been reported in individuals affected with APC-related disorders in the literature. This variant has been identified in 1/250952 chromosomes in the general population by the Genome Aggregation Database (gnomAD). The available evidence is insufficient to determine the role of this variant in disease conclusively. Therefore, this variant is classified as a Variant of Uncertain Significance.

GeneDx
Classification: Uncertain significance. Last evaluated: 2022-01-03. Review status: criteria provided, single submitter. Criteria: GeneDx Variant Classification Process June 2021. Collection method: clinical testing. Allele origin: germline. Affected: yes.
Comment: Not observed at significant frequency in large population cohorts (Lek et al., 2016); In silico analysis supports that this missense variant does not alter protein structure/function; Has not been previously published as pathogenic or benign to our knowledge